The following is an entry in ClinVar:

NM_001077.4(UGT2B17):c.253G>T (p.Asp85Tyr)

Gene: UGT2B17 (UDP glucuronosyltransferase family 2 member B17; minus strand). Cytogenetic location: 4q13.2.
Variant type: single nucleotide variant.
Coding change: c.253G>T on transcript NM_001077.4 (MANE Select); coding-DNA position 253, G replaced by T.
Protein change: p.Asp85Tyr; replaces aspartic acid 85 with tyrosine.
Molecular consequence: missense variant.
Genome position (GRCh38, 1-based): chr4:68,568,232, C>A on the plus strand (G>T on the coding strand, the complement: UGT2B17 is on the minus strand). VCF-style: chr4-68568232-C-A. GRCh37 (hg19) VCF-style: chr4-69433950-C-A.
Other names: short protein forms D85Y.
Identifiers: ClinVar variation 713093 (VCV000713093.26), dbSNP rs72551387, ClinGen allele CA2942285.

ClinVar aggregate classification (germline): Benign. Review status: criteria provided, multiple submitters, no conflicts (2 of 4 stars). 2 submissions from 2 submitters: Benign (2). Last evaluated 2026-03-01.

Allele frequency attached by ClinVar (database versions not stated): 1000 Genomes Project 0.00359; 1000 Genomes Project 30x 0.00390; ExAC 0.00498; ESP Exome Variant Server 0.00501; gnomAD exomes 0.00565 and 0.00796; gnomAD 0.00576 and 0.00583.
gnomAD v4.1: 10,639 of 1,373,850 alleles (0.77%); highest among the groups gnomAD compares: Non-Finnish European, 0.87%; 2,586 homozygotes.

Submissions (2):

CeGaT Center for Human Genetics Tuebingen
Classification: Benign. Last evaluated: 2026-03-01. Review status: criteria provided, single submitter. Criteria: CeGaT Center For Human Genetics Tuebingen Variant Classification Criteria Version 2. Collection method: clinical testing. Allele origin: germline. Affected: yes. Observed: 4 variant alleles.
Comment: UGT2B17: BP4, BS1, BS2

Labcorp Genetics (formerly Invitae), Labcorp
Classification: Benign. Last evaluated: 2019-12-31. Review status: criteria provided, single submitter. Criteria: Invitae Variant Classification Sherloc (09022015). Collection method: clinical testing. Allele origin: germline.